The following is an entry in ClinVar:

NM_000466.3(PEX1):c.2671G>A (p.Ala891Thr)

Gene: PEX1 (peroxisomal biogenesis factor 1; minus strand). Cytogenetic location: 7q21.2.
Variant type: single nucleotide variant.
Coding change: c.2671G>A on transcript NM_000466.3 (MANE Select); coding-DNA position 2671, G replaced by A.
Protein change: p.Ala891Thr; replaces alanine 891 with threonine.
Molecular consequence: missense variant.
Genome position (GRCh38, 1-based): chr7:92,499,751, C>T on the plus strand (G>A on the coding strand, the complement: PEX1 is on the minus strand). VCF-style: chr7-92499751-C-T. GRCh37 (hg19) VCF-style: chr7-92129065-C-T.
Other names: c.2500G>A, p.Ala834Thr (NM_001282677.2); c.2047G>A, p.Ala683Thr (NM_001282678.2); short protein forms A834T, A891T, A683T.
Identifiers: ClinVar variation 5007238 (VCV005007238.2).

ClinVar aggregate classification (germline): Uncertain significance (1 of 4 stars; one submission).

Conditions:
Heimler syndrome 1 (HMLR1). Also called: PEROXISOME BIOGENESIS DISORDER 1C. Identifiers: Orphanet 3220, MedGen C4551980, OMIM 234580, MONDO:0024544.
Peroxisome biogenesis disorder 1B (PBD1B). Also called: Refsum disease, infantile form; Infantile Refsum disease; Infantile form of phytanic acid storage disease; PEROXISOME BIOGENESIS DISORDER (NEONATAL ADRENOLEUKODYSTROPHY/INFANTILE REFSUM DISEASE); INFANTILE PHYTANIC ACID STORAGE DISEASE; PEROXISOME BIOGENESIS DISORDER (NALD/IRD). Identifiers: Orphanet 44, MedGen C0282527, MONDO:0011101, OMIM 601539.
Peroxisome biogenesis disorder 1A (Zellweger) (PBD1A). Also called: Zellweger leukodystrophy; Peroxisome biogenesis disorder 1a. Identifiers: MedGen C4721541, MONDO:0008953, OMIM 214100.

Submission:

Juno Genomics, Hangzhou Juno Genomics, Inc
Classification: Uncertain significance for Heimler syndrome 1; Peroxisome biogenesis disorder 1A (Zellweger); Peroxisome biogenesis disorder 1B. Review status: criteria provided, single submitter. Criteria: ACMG Guidelines, 2015. Collection method: clinical testing. Allele origin: germline.
Comment: Absent from controls (or at extremely low frequency if recessive) in Genome Aggregation Database.;Multiple lines of computational evidence support a deleterious effect on the gene or gene product.